The following is an entry in ClinVar:

NM_002471.4(MYH6):c.5444A>C (p.Gln1815Pro)

Gene: MYH6 (myosin heavy chain 6; minus strand). Cytogenetic location: 14q11.2.
Variant type: single nucleotide variant.
Coding change: c.5444A>C on transcript NM_002471.4 (MANE Select); coding-DNA position 5444, A replaced by C.
Protein change: p.Gln1815Pro; replaces glutamine 1815 with proline.
Molecular consequence: missense variant.
Genome position (GRCh38, 1-based): chr14:23,384,563, T>G on the plus strand (A>C on the coding strand, the complement: MYH6 is on the minus strand). VCF-style: chr14-23384563-T-G. GRCh37 (hg19) VCF-style: chr14-23853772-T-G.
Other names: short protein forms Q1815P.
Identifiers: ClinVar variation 1747570 (VCV001747570.3), dbSNP rs2138581512, ClinGen allele CA388984339.

ClinVar aggregate classification (germline): Uncertain significance (1 of 4 stars; one submission).

Conditions:
Cardiovascular phenotype. Identifiers: MedGen CN230736.

Submission:

Ambry Genetics
Classification: Uncertain significance for Cardiovascular phenotype. Last evaluated: 2025-02-06. Review status: criteria provided, single submitter. Criteria: Ambry Variant Classification Scheme 2023. Collection method: clinical testing. Allele origin: germline.
Comment: The p.Q1815P variant (also known as c.5444A>C), located in coding exon 34 of the MYH6 gene, results from an A to C substitution at nucleotide position 5444. The glutamine at codon 1815 is replaced by proline, an amino acid with similar properties. This amino acid position is highly conserved in available vertebrate species. In addition, the in silico prediction for this alteration is inconclusive. Since supporting evidence is limited at this time, the clinical significance of this alteration remains unclear.